The following is an entry in ClinVar:

NM_152383.5(DIS3L2):c.515G>A (p.Gly172Asp)

Gene: DIS3L2 (DIS3 like 3'-5' exoribonuclease 2; plus strand). Cytogenetic location: 2q37.1.
Variant type: single nucleotide variant.
Coding change: c.515G>A on transcript NM_152383.5 (MANE Select); coding-DNA position 515, G replaced by A.
Protein change: p.Gly172Asp; replaces glycine 172 with aspartic acid.
Molecular consequence: missense variant. On other transcripts: non-coding transcript variant (2).
Genome position (GRCh38, 1-based): chr2:232,087,635, G>A. VCF-style: chr2-232087635-G-A. GRCh37 (hg19) VCF-style: chr2-232952345-G-A.
Other names: c.515G>A, p.Gly172Asp (NM_001257281.2, NM_001257282.2); short protein forms G172D.
Identifiers: ClinVar variation 1436964 (VCV001436964.8), dbSNP rs776441650, ClinGen allele CA2163836.

ClinVar aggregate classification (germline): Uncertain significance (1 of 4 stars; one submission).

Conditions:
Perlman syndrome (PRLMNS). Identifiers: Orphanet 2849, MedGen C0796113, MONDO:0009965, OMIM 267000.

Allele frequency attached by ClinVar (database versions not stated): gnomAD exomes below 0.00001; TOPMed below 0.00001; ExAC 0.00001.
gnomAD v4.1: 2 of 1,614,190 alleles (0.00012%); highest among the groups gnomAD compares: South Asian, 0.0011%; no homozygotes.

Submission:

Labcorp Genetics (formerly Invitae), Labcorp
Classification: Uncertain significance for Perlman syndrome. Last evaluated: 2021-03-13. Review status: criteria provided, single submitter. Criteria: Invitae Variant Classification Sherloc (09022015). Collection method: clinical testing. Allele origin: germline.
Comment: This variant has not been reported in the literature in individuals with DIS3L2-related conditions. This variant is present in population databases (rs776441650, ExAC 0.006%). This sequence change replaces glycine with aspartic acid at codon 172 of the DIS3L2 protein (p.Gly172Asp). The glycine residue is weakly conserved and there is a moderate physicochemical difference between glycine and aspartic acid. Algorithms developed to predict the effect of missense changes on protein structure and function output the following: SIFT: "Tolerated"; PolyPhen-2: "Benign"; Align-GVGD: "Class C0". The aspartic acid amino acid residue is found in multiple mammalian species, suggesting that this missense change does not adversely affect protein function. These predictions have not been confirmed by published functional studies and their clinical significance is uncertain. In summary, the available evidence is currently insufficient to determine the role of this variant in disease. Therefore, it has been classified as a Variant of Uncertain Significance.